The following is an entry in ClinVar:

ClinVar aggregate classification (germline): Uncertain significance. Review status: criteria provided, multiple submitters, no conflicts (2 of 4 stars). 3 submissions from 3 submitters: Uncertain significance (3). Last evaluated 2022-12-19.

Conditions:
Hypomyelination with brain stem and spinal cord involvement and leg spasticity. Also called: ASPARTYL-tRNA SYNTHETASE DEFICIENCY; Hypomyelination with brainstem and spinal cord involvement and leg spasticity. Identifiers: Orphanet 363412, MedGen C4755254, MONDO:0014115, OMIM 615281.
Inborn genetic diseases. Identifiers: MedGen C0950123, MeSH D030342.

Allele frequency attached by ClinVar (database versions not stated): gnomAD exomes 0.00003; TOPMed 0.00003; ExAC 0.00004; gnomAD 0.00005; 1000 Genomes Project 30x 0.00016; 1000 Genomes Project 0.00020.
gnomAD v4.1: 13 of 1,511,568 alleles (0.00086%); highest among the groups gnomAD compares: African/African-American, 0.014%; no homozygotes.

Submissions (3):

Ambry Genetics
Classification: Uncertain significance for Inborn genetic diseases. Last evaluated: 2022-12-19. Review status: criteria provided, single submitter. Criteria: Ambry Variant Classification Scheme 2023. Collection method: clinical testing. Allele origin: germline.

Blueprint Genetics
Classification: Uncertain significance. Last evaluated: 2021-03-26. Review status: criteria provided, single submitter. Criteria: ACMG Guidelines, 2015. Collection method: clinical testing. Allele origin: germline.

Victorian Clinical Genetics Services, Murdoch Childrens Research Institute
Classification: Uncertain significance for Hypomyelination with brain stem and spinal cord involvement and leg spasticity. Last evaluated: 2017-09-13. Review status: criteria provided, single submitter. Criteria: ACMG Guidelines, 2015. Collection method: clinical testing. Allele origin: unknown. Inheritance: Autosomal recessive inheritance. Affected: yes.
Comment: A heterozygous missense variant, NM_001349.2(DARS):c.242G>A, has been identified in exon 4 of 16 of the DARS gene. This substitution creates a minor amino acid change from an arginine to a histidine at position 81, NP_001340.2(DARS):p.(Arg81His). The arginine residue at this position has very high conservation (100 vertebrates, UCSC). It is located within a oligonucleotide/oligosaccharide-binding fold. In-silico predictions for this variant are consistently pathogenic (Polyphen, SIFT, CADD, Mutation Taster). The variant is present in the gnomAD database at a frequency of 0.0004 (0 homozygotes). This variant has not been previously reported in clinical cases. Based on the information available at the time of curation, this variant has been classified as a VARIANT of UNKNOWN SIGNIFICANCE (VUS). The presence of these two DARS variants suggests a possible compound heterozygous mode of inheritance which is consistent with hypomyelination with brainstem and spinal cord involvement, and leg spasticity.

NM_001349.4(DARS1):c.242G>A (p.Arg81His)

Gene: DARS1 (aspartyl-tRNA synthetase 1; minus strand). Cytogenetic location: 2q21.3.
Variant type: single nucleotide variant.
Coding change: c.242G>A on transcript NM_001349.4 (MANE Select); coding-DNA position 242, G replaced by A.
Protein change: p.Arg81His; replaces arginine 81 with histidine.
Molecular consequence: missense variant. On other transcripts: 5 prime UTR variant (1).
Genome position (GRCh38, 1-based): chr2:135,961,474, C>T on the plus strand (G>A on the coding strand, the complement: DARS1 is on the minus strand). VCF-style: chr2-135961474-C-T. GRCh37 (hg19) VCF-style: chr2-136719044-C-T.
Other names: c.-59G>A (NM_001293312.1); short protein forms R81H.
Identifiers: ClinVar variation 488395 (VCV000488395.5), dbSNP rs532864330, ClinGen allele CA1889887.
Genomic context (GRCh38, chr2:135,961,474, plus strand): 5'-ATCTGCTTGCTTGCATGGTCTCCCACCGCCACAAGAGCCTGGACATTAAACTGCTGCTGA[C>T]GTAGGACTAAGAAGCACTGTTTCCCTGAAAAAGACAGAAAGAACACAAATGTATTAAGGA-3'
Protein context (NP_001340.2, residues 71-91): AKGKQCFLVL[Arg81His]QQQFNVQALV